The following is an entry in ClinVar:

NM_004991.4(MECOM):c.3517T>C (p.Ser1173Pro)

Gene: MECOM (MDS1 and EVI1 complex locus; minus strand). Cytogenetic location: 3q26.2.
Variant type: single nucleotide variant.
Coding change: c.3517T>C on transcript NM_004991.4 (MANE Select); coding-DNA position 3517, T replaced by C.
Protein change: p.Ser1173Pro; replaces serine 1173 with proline.
Molecular consequence: missense variant.
Genome position (GRCh38, 1-based): chr3:169,089,068, A>G on the plus strand (T>C on the coding strand, the complement: MECOM is on the minus strand). VCF-style: chr3-169089068-A-G. GRCh37 (hg19) VCF-style: chr3-168806856-A-G.
Other names: c.3148T>C, p.Ser1050Pro (NM_001105077.4); c.2953T>C, p.Ser985Pro (NM_001105078.4, NM_001205194.2, NM_001366469.2 and 1 more transcripts); c.2929T>C, p.Ser977Pro (NM_001163999.2, NM_001366470.2); c.2926T>C, p.Ser976Pro (NM_001164000.2, NM_001366471.2, NM_001366472.2); c.3490T>C, p.Ser1164Pro (NM_001366466.2); c.2956T>C, p.Ser986Pro (NM_001366467.2, NM_001366468.2); c.2518T>C, p.Ser840Pro (NM_001366473.2); c.1954T>C, p.Ser652Pro (NM_001366474.2); short protein forms S1050P, S1173P, S977P, S1164P, S652P, S840P, S976P, S985P.
Identifiers: ClinVar variation 4053240 (VCV004053240.1).

ClinVar aggregate classification (germline): Uncertain significance (1 of 4 stars; one submission).

Conditions:
Inborn genetic diseases. Identifiers: MedGen C0950123, MeSH D030342.

Submission:

Ambry Genetics
Classification: Uncertain significance for Inborn genetic diseases. Last evaluated: 2025-05-07. Review status: criteria provided, single submitter. Criteria: Ambry Variant Classification Scheme 2023. Collection method: clinical testing. Allele origin: germline.
Comment: The p.S1173P variant (also known as c.3517T>C), located in coding exon 16 of the MECOM gene, results from a T to C substitution at nucleotide position 3517. The serine at codon 1173 is replaced by proline, an amino acid with similar properties. This amino acid position is conserved. In addition, this alteration is predicted to be tolerated by in silico analysis. Based on the available evidence, the clinical significance of this variant remains unclear.